The following is an entry in ClinVar:

ClinVar aggregate classification (germline): Uncertain significance (1 of 4 stars; one submission).

Allele frequency attached by ClinVar (database versions not stated): gnomAD exomes 0.00001.
gnomAD v4.1: 6 of 1,613,976 alleles (0.00037%); highest among the groups gnomAD compares: Non-Finnish European, 0.00051%; no homozygotes.

Submission:

Labcorp Genetics (formerly Invitae), Labcorp
Classification: Uncertain significance. Last evaluated: 2023-06-02. Review status: criteria provided, single submitter. Criteria: Invitae Variant Classification Sherloc (09022015). Collection method: clinical testing. Allele origin: germline.
Comment: In summary, the available evidence is currently insufficient to determine the role of this variant in disease. Therefore, it has been classified as a Variant of Uncertain Significance. Variants that disrupt the consensus splice site are a relatively common cause of aberrant splicing (PMID: 17576681, 9536098). Algorithms developed to predict the effect of sequence changes on RNA splicing suggest that this variant is not likely to affect RNA splicing. This variant has not been reported in the literature in individuals affected with COL11A1-related conditions. This variant is not present in population databases (gnomAD no frequency). This sequence change falls in intron 35 of the COL11A1 gene. It does not directly change the encoded amino acid sequence of the COL11A1 protein. It affects a nucleotide within the consensus splice site.

Literature cited by the submitters: PubMed 17576681; PubMed 9536098.

NM_001854.4(COL11A1):c.2754+3A>G

Gene: COL11A1 (collagen type XI alpha 1 chain; minus strand). Cytogenetic location: 1p21.1.
Variant type: single nucleotide variant.
Coding change: c.2754+3A>G on transcript NM_001854.4 (MANE Select); 3 bases into the intron after coding-DNA position 2754, A replaced by G.
Molecular consequence: intron variant.
Genome position (GRCh38, 1-based): chr1:102,978,705, T>C on the plus strand (A>G on the coding strand, the complement: COL11A1 is on the minus strand). VCF-style: chr1-102978705-T-C. GRCh37 (hg19) VCF-style: chr1-103444261-T-C.
Other names: c.2637+3A>G (NM_001190709.2); c.2790+3A>G (NM_080629.3); c.2406+3A>G (NM_080630.4).
Identifiers: ClinVar variation 2728364 (VCV002728364.3), dbSNP rs2525106174, ClinGen allele CA2574449708.